The following is an entry in ClinVar:

ClinVar aggregate classification (germline): Benign/Likely benign. Review status: criteria provided, multiple submitters, no conflicts (2 of 4 stars). 4 submissions from 4 submitters: Benign (1); Likely benign (2). 1 of the submissions does not count toward it. Last evaluated 2026-01-20.

Conditions:
SKIC3-related disorder. Also called: SKIC3-related condition.

Allele frequency attached by ClinVar (database versions not stated): gnomAD exomes 0.00023 and 0.00053; ExAC 0.00050; gnomAD 0.00182 and 0.00196; ESP Exome Variant Server 0.00192; 1000 Genomes Project 30x 0.00219; 1000 Genomes Project 0.00220; TOPMed 0.00232.
gnomAD v4.1: 630 of 1,613,104 alleles (0.039%); highest among the groups gnomAD compares: African/African-American, 0.65%; 4 homozygotes.

Submissions (4):

Labcorp Genetics (formerly Invitae), Labcorp
Classification: Benign. Last evaluated: 2026-01-20. Review status: criteria provided, single submitter. Criteria: Invitae Variant Classification Sherloc (09022015). Collection method: clinical testing. Allele origin: germline.

Blueprint Genetics
Classification: Likely benign. Last evaluated: 2024-09-19. Review status: criteria provided, single submitter. Criteria: ACMG Guidelines, 2015. Collection method: clinical testing. Allele origin: germline.

Eurofins Ntd Llc (ga)
Classification: Likely benign. Last evaluated: 2016-02-24. Review status: criteria provided, single submitter. Criteria: EGL Classification Definitions 2015. Collection method: clinical testing. Allele origin: germline. Observed: 1 variant allele, 1 heterozygote.

PreventionGenetics, part of Exact Sciences
Classification: Likely benign for SKIC3-related condition. Last evaluated: 2023-12-22. Review status: no assertion criteria provided. Collection method: clinical testing. Allele origin: germline. Not counted in ClinVar's aggregate classification.
Comment: This variant is classified as likely benign based on ACMG/AMP sequence variant interpretation guidelines (Richards et al. 2015 PMID: 25741868, with internal and published modifications).

NM_014639.4(SKIC3):c.2578-10T>C

Gene: SKIC3 (SKI3 subunit of superkiller complex; minus strand). Cytogenetic location: 5q15.
Variant type: single nucleotide variant.
Coding change: c.2578-10T>C on transcript NM_014639.4 (MANE Select); 10 bases into the intron before coding-DNA position 2578, T replaced by C.
Molecular consequence: intron variant.
Genome position (GRCh38, 1-based): chr5:95,516,419, A>G on the plus strand (T>C on the coding strand, the complement: SKIC3 is on the minus strand). VCF-style: chr5-95516419-A-G. GRCh37 (hg19) VCF-style: chr5-94852123-A-G.
Identifiers: ClinVar variation 286334 (VCV000286334.18), dbSNP rs140254019, ClinGen allele CA3347030.